The following is an entry in ClinVar:

NM_004612.4(TGFBR1):c.474G>A (p.Val158=)

Gene: TGFBR1 (transforming growth factor beta receptor 1; plus strand). Cytogenetic location: 9q22.33.
Variant type: single nucleotide variant.
Coding change: c.474G>A on transcript NM_004612.4 (MANE Select); coding-DNA position 474, G replaced by A.
Protein change: p.Val158=; no amino-acid change (valine 158 retained).
Molecular consequence: synonymous variant. On other transcripts: non-coding transcript variant (4), intron variant (3).
Genome position (GRCh38, 1-based): chr9:99,132,639, G>A. VCF-style: chr9-99132639-G-A. GRCh37 (hg19) VCF-style: chr9-101894921-G-A.
Other names: c.486G>A, p.Val162= (NM_001306210.2, NM_001407416.1); c.474G>A, p.Val158= (NM_001407417.1, NM_001407435.1); c.279G>A, p.Val93= (NM_001407418.1, NM_001407419.1, NM_001407420.1 and 1 more transcripts); c.267G>A, p.Val89= (NM_001407423.1, NM_001407424.1, NM_001407425.1 and 8 more transcripts); c.228G>A, p.Val76= (NM_001407436.1); c.343+3539G>A (NM_001130916.3); c.98-5220G>A (NM_001407438.1); c.98-9897G>A (NM_001407437.1).
Identifiers: ClinVar variation 3386042 (VCV003386042.1).

ClinVar aggregate classification (germline): Likely benign (1 of 4 stars; one submission).

Conditions:
Loeys-Dietz syndrome (LDS). Identifiers: Orphanet 60030, MedGen C2697932, MONDO:0018954.

Submission:

All of Us Research Program, National Institutes of Health
Classification: Likely benign for Loeys-Dietz syndrome. Last evaluated: 2024-07-20. Review status: criteria provided, single submitter. Criteria: ACMG Guidelines, 2015. Collection method: clinical testing. Allele origin: germline. Inheritance: Autosomal dominant inheritance. Observed: 1 variant allele, 1 heterozygote.
Comment: This study involves interpretation of variants in research participants for the purpose of population health screening. Participant phenotype was not available at the time of variant classification. Additional details can be found in publication PMID: 35346344, PMCID: PMC8962531